The following is an entry in ClinVar:

ClinVar aggregate classification (germline): Likely benign. Review status: criteria provided, multiple submitters, no conflicts (2 of 4 stars). 3 submissions from 3 submitters: Likely benign (2). 1 of the submissions does not count toward it. Last evaluated 2026-03-01.

Conditions:
SCN3A-related disorder. Also called: SCN3A-related condition.

Allele frequency attached by ClinVar (database versions not stated): gnomAD 0.00003 and 0.00013; TOPMed 0.00003; gnomAD exomes 0.00010 and 0.00025; ExAC 0.00015; 1000 Genomes Project 30x 0.00109; 1000 Genomes Project 0.00140.
gnomAD v4.1: 377 of 1,614,098 alleles (0.023%); highest among the groups gnomAD compares: East Asian, 0.8%; 4 homozygotes.

Submissions (3):

CeGaT Center for Human Genetics Tuebingen
Classification: Likely benign. Last evaluated: 2026-03-01. Review status: criteria provided, single submitter. Criteria: CeGaT Center For Human Genetics Tuebingen Variant Classification Criteria Version 2. Collection method: clinical testing. Allele origin: germline. Affected: yes. Observed: 2 variant alleles.
Comment: SCN3A: BS1

Labcorp Genetics (formerly Invitae), Labcorp
Classification: Likely benign. Last evaluated: 2025-06-17. Review status: criteria provided, single submitter. Criteria: Invitae Variant Classification Sherloc (09022015). Collection method: clinical testing. Allele origin: germline.

PreventionGenetics, part of Exact Sciences
Classification: Likely benign for SCN3A-related condition. Last evaluated: 2022-03-31. Review status: no assertion criteria provided. Collection method: clinical testing. Allele origin: germline. Not counted in ClinVar's aggregate classification.
Comment: This variant is classified as likely benign based on ACMG/AMP sequence variant interpretation guidelines (Richards et al. 2015 PMID: 25741868, with internal and published modifications).

NM_006922.4(SCN3A):c.1602A>C (p.Arg534Ser)

Gene: SCN3A (sodium voltage-gated channel alpha subunit 3; minus strand). Cytogenetic location: 2q24.3.
Variant type: single nucleotide variant.
Coding change: c.1602A>C on transcript NM_006922.4 (MANE Select); coding-DNA position 1602, A replaced by C.
Protein change: p.Arg534Ser; replaces arginine 534 with serine.
Molecular consequence: missense variant.
Genome position (GRCh38, 1-based): chr2:165,146,808, T>G on the plus strand (A>C on the coding strand, the complement: SCN3A is on the minus strand). VCF-style: chr2-165146808-T-G. GRCh37 (hg19) VCF-style: chr2-166003318-T-G.
Other names: c.1602A>C, p.Arg534Ser (NM_001081676.2, NM_001081677.2); short protein forms R534S.
Identifiers: ClinVar variation 724875 (VCV000724875.29), dbSNP rs141748745, ClinGen allele CA1939125.